The following is an entry in ClinVar:

NM_006015.6(ARID1A):c.456A>G (p.Gln152=)

Gene: ARID1A (AT-rich interaction domain 1A; plus strand). Cytogenetic location: 1p36.11.
Variant type: single nucleotide variant.
Coding change: c.456A>G on transcript NM_006015.6 (MANE Select); coding-DNA position 456, A replaced by G.
Protein change: p.Gln152=; no amino-acid change (glutamine 152 retained).
Molecular consequence: synonymous variant.
Genome position (GRCh38, 1-based): chr1:26,696,859, A>G. VCF-style: chr1-26696859-A-G. GRCh37 (hg19) VCF-style: chr1-27023350-A-G.
Other names: c.456A>G, p.Gln152= (NM_139135.4).
Identifiers: ClinVar variation 1181346 (VCV001181346.10), dbSNP rs1043397333, ClinGen allele CA19640641.

ClinVar aggregate classification (germline): Benign/Likely benign. Review status: criteria provided, multiple submitters, no conflicts (2 of 4 stars). 3 submissions from 3 submitters: Benign (1); Likely benign (1). 1 of the submissions does not count toward it. Last evaluated 2025-09-01.

Conditions:
ARID1A-related disorder. Also called: ARID1A-related condition.

Allele frequency attached by ClinVar (database versions not stated): gnomAD 0.00010; TOPMed 0.00015.
gnomAD v4.1: 30 of 1,340,154 alleles (0.0022%); highest among the groups gnomAD compares: African/African-American, 0.033%; no homozygotes.

Submissions (3):

Labcorp Genetics (formerly Invitae), Labcorp
Classification: Benign. Last evaluated: 2025-09-01. Review status: criteria provided, single submitter. Criteria: Invitae Variant Classification Sherloc (09022015). Collection method: clinical testing. Allele origin: germline.

GeneDx
Classification: Likely benign. Last evaluated: 2020-06-25. Review status: criteria provided, single submitter. Criteria: GeneDx Variant Classification Process June 2021. Collection method: clinical testing. Allele origin: germline. Affected: yes.

PreventionGenetics, part of Exact Sciences
Classification: Likely benign for ARID1A-related condition. Last evaluated: 2022-02-10. Review status: no assertion criteria provided. Collection method: clinical testing. Allele origin: germline. Not counted in ClinVar's aggregate classification.
Comment: This variant is classified as likely benign based on ACMG/AMP sequence variant interpretation guidelines (Richards et al. 2015 PMID: 25741868, with internal and published modifications).